The following is an entry in ClinVar:

NM_003680.4(YARS1):c.1439A>G (p.Glu480Gly)

Gene: YARS1 (tyrosyl-tRNA synthetase 1; minus strand). Cytogenetic location: 1p35.1.
Variant type: single nucleotide variant.
Coding change: c.1439A>G on transcript NM_003680.4 (MANE Select); coding-DNA position 1439, A replaced by G.
Protein change: p.Glu480Gly; replaces glutamic acid 480 with glycine.
Molecular consequence: missense variant.
Genome position (GRCh38, 1-based): chr1:32,779,419, T>C on the plus strand (A>G on the coding strand, the complement: YARS1 is on the minus strand). VCF-style: chr1-32779419-T-C. GRCh37 (hg19) VCF-style: chr1-33245020-T-C.
Other names: short protein forms E480G.
Identifiers: ClinVar variation 2129481 (VCV002129481.4), dbSNP rs2523349200, ClinGen allele CA339680296.
Genomic context (GRCh38, chr1:32,779,419, plus strand): 5'-AGGGAACAATTACAGCTTTTTACCTGCAACTTCTCGAAGACTTTCTTCTTGGGCTTGAGC[T>C]CCTCATCTGGTTGGCCCTTTTCATAGCCCTTCACAAACACGTGCTCACCAGGAGCAGAGC-3'
Protein context (NP_003671.1, residues 470-490): KGYEKGQPDE[Glu480Gly]LKPKKKVFEK

ClinVar aggregate classification (germline): Uncertain significance (1 of 4 stars; one submission).

Conditions:
Charcot-Marie-Tooth disease dominant intermediate C (CMTDIC). Also called: CHARCOT-MARIE-TOOTH NEUROPATHY, DOMINANT INTERMEDIATE C. Identifiers: Orphanet 100045, MedGen C1842237, MONDO:0012012, OMIM 608323.

Submission:

Labcorp Genetics (formerly Invitae), Labcorp
Classification: Uncertain significance for Charcot-Marie-Tooth disease dominant intermediate C. Last evaluated: 2022-05-01. Review status: criteria provided, single submitter. Criteria: Invitae Variant Classification Sherloc (09022015). Collection method: clinical testing. Allele origin: germline.
Comment: In summary, the available evidence is currently insufficient to determine the role of this variant in disease. Therefore, it has been classified as a Variant of Uncertain Significance. Algorithms developed to predict the effect of missense changes on protein structure and function are either unavailable or do not agree on the potential impact of this missense change (SIFT: "Not Available"; PolyPhen-2: "Benign"; Align-GVGD: "Not Available"). This variant has not been reported in the literature in individuals affected with YARS-related conditions. This variant is not present in population databases (gnomAD no frequency). This sequence change replaces glutamic acid, which is acidic and polar, with glycine, which is neutral and non-polar, at codon 480 of the YARS protein (p.Glu480Gly).